The following is an entry in ClinVar:

ClinVar aggregate classification (germline): Uncertain significance (1 of 4 stars; one submission).

Conditions:
Lysinuric protein intolerance (LPI). Identifiers: Orphanet 470, MedGen C0268647, MONDO:0009109, OMIM 222700.

Submission:

Labcorp Genetics (formerly Invitae), Labcorp
Classification: Uncertain significance for Lysinuric protein intolerance. Last evaluated: 2022-11-01. Review status: criteria provided, single submitter. Criteria: Invitae Variant Classification Sherloc (09022015). Collection method: clinical testing. Allele origin: germline.
Comment: This variant results in a copy number gain of the genomic region encompassing exon(s) 4-11 of the SLC7A7 gene. This region includes the termination codon of the gene. This copy number gain extends beyond the assayed region for this gene and therefore may encompass additional genes. As the precise location of this event is unknown, it may be in tandem or it may be located elsewhere in the genome. This variant has not been reported in the literature in individuals affected with SLC7A7-related conditions. In summary, the available evidence is currently insufficient to determine the role of this variant in disease. Therefore, it has been classified as a Variant of Uncertain Significance.

NC_000014.8:g.(?_23242819)_(23249280_?)dup

Gene: SLC7A7 (solute carrier family 7 member 7; minus strand). Cytogenetic location: 14q11.2.
Variant type: Duplication.
Identifiers: ClinVar variation 2423737 (VCV002423737.3).